The following is an entry in ClinVar:

NM_138694.4(PKHD1):c.633G>A (p.Gly211=)

Gene: PKHD1 (PKHD1 ciliary IPT domain containing fibrocystin/polyductin; minus strand). Cytogenetic location: 6p12.2.
Variant type: single nucleotide variant.
Coding change: c.633G>A on transcript NM_138694.4 (MANE Select); coding-DNA position 633, G replaced by A.
Protein change: p.Gly211=; no amino-acid change (glycine 211 retained).
Molecular consequence: synonymous variant.
Genome position (GRCh38, 1-based): chr6:52,071,040, C>T on the plus strand (G>A on the coding strand, the complement: PKHD1 is on the minus strand). VCF-style: chr6-52071040-C-T. GRCh37 (hg19) VCF-style: chr6-51935838-C-T.
Other names: c.633G>A, p.Gly211= (NM_170724.3).
Identifiers: ClinVar variation 96416 (VCV000096416.44), dbSNP rs144025892, ClinGen allele CA224086.

ClinVar aggregate classification (germline): Conflicting classifications of pathogenicity. Review status: criteria provided, conflicting classifications (1 of 4 stars). 8 submissions from 8 submitters: Uncertain significance (2); Likely benign (5). 1 of the submissions does not count toward it. Last evaluated 2026-01-13.

Conditions:
Polycystic kidney disease 4 (PKD4). Also called: POLYCYSTIC KIDNEY AND HEPATIC DISEASE 1; POLYCYSTIC KIDNEY DISEASE, INFANTILE, TYPE I; PKD3; POLYCYSTIC KIDNEY DISEASE 4 WITH OR WITHOUT POLYCYSTIC LIVER DISEASE; Autosomal Recessive Polycystic Kidney Disease – PKHD1. Identifiers: MedGen C4540575, MONDO:0033004, OMIM 263200.
Autosomal recessive polycystic kidney disease (ARPKD). Also called: AR polycystic kidney disease. Identifiers: Orphanet 731, Orphanet 8378, MedGen C0085548, MeSH D017044, MONDO:0009889.

Allele frequency attached by ClinVar (database versions not stated): gnomAD 0.00016 and 0.00019; 1000 Genomes Project 0.00020; ExAC 0.00021; gnomAD exomes 0.00024; TOPMed 0.00024; 1000 Genomes Project 30x 0.00031; ESP Exome Variant Server 0.00031.
gnomAD v4.1: 422 of 1,608,214 alleles (0.026%); highest among the groups gnomAD compares: Middle Eastern, 0.3%; 1 homozygote.

Submissions (8):

Labcorp Genetics (formerly Invitae), Labcorp
Classification: Likely benign for Autosomal recessive polycystic kidney disease. Last evaluated: 2026-01-13. Review status: criteria provided, single submitter. Criteria: Invitae Variant Classification Sherloc (09022015). Collection method: clinical testing. Allele origin: germline.

Blueprint Genetics
Classification: Likely benign. Last evaluated: 2024-11-21. Review status: criteria provided, single submitter. Criteria: ACMG Guidelines, 2015. Collection method: clinical testing. Allele origin: germline.

CeGaT Center for Human Genetics Tuebingen
Classification: Likely benign. Last evaluated: 2024-04-01. Review status: criteria provided, single submitter. Criteria: CeGaT Center For Human Genetics Tuebingen Variant Classification Criteria Version 2. Collection method: clinical testing. Allele origin: germline. Affected: yes. Observed: 1 variant allele.
Comment: PKHD1: BP4, BP7

Genome-Nilou Lab
Classification: Likely benign for Polycystic kidney disease 4. Last evaluated: 2021-05-18. Review status: criteria provided, single submitter. Criteria: ACMG Guidelines, 2015. Collection method: clinical testing. Allele origin: germline. Affected: no.

GeneDx
Classification: Likely benign. Last evaluated: 2020-09-21. Review status: criteria provided, single submitter. Criteria: GeneDx Variant Classification Process June 2021. Collection method: clinical testing. Allele origin: germline. Affected: yes.

Eurofins Ntd Llc (ga)
Classification: Uncertain significance. Last evaluated: 2018-08-07. Review status: criteria provided, single submitter. Criteria: EGL ClinVar v180209 classification definitions. Collection method: clinical testing. Allele origin: germline. Observed: 13 variant alleles, 10 heterozygotes, 3 homozygotes.

Illumina Laboratory Services, Illumina
Classification: Uncertain significance for Polycystic kidney disease 4. Last evaluated: 2018-01-12. Review status: criteria provided, single submitter. Criteria: ICSL Variant Classification Criteria 13 December 2019. Collection method: clinical testing. Allele origin: germline.

Natera, Inc.
Classification: Likely benign for Autosomal recessive polycystic kidney disease. Last evaluated: 2020-09-16. Review status: no assertion criteria provided. Collection method: clinical testing. Allele origin: germline. Not counted in ClinVar's aggregate classification.